The following is an entry in ClinVar:

ClinVar aggregate classification (germline): Uncertain significance (1 of 4 stars; one submission).

Conditions:
Cardiovascular phenotype. Identifiers: MedGen CN230736.

Allele frequency attached by ClinVar (database versions not stated): gnomAD exomes 0.00001.

Submission:

Ambry Genetics
Classification: Uncertain significance for Cardiovascular phenotype. Last evaluated: 2020-10-08. Review status: criteria provided, single submitter. Criteria: Ambry Variant Classification Scheme 2023. Collection method: clinical testing. Allele origin: germline.
Comment: The p.T457P variant (also known as c.1369A>C), located in coding exon 5 of the ALPK3 gene, results from an A to C substitution at nucleotide position 1369. The threonine at codon 457 is replaced by proline, an amino acid with highly similar properties. This amino acid position is not well conserved in available vertebrate species. In addition, this alteration is predicted to be tolerated by in silico analysis. Since supporting evidence is limited at this time, the clinical significance of this alteration remains unclear.

NM_020778.5(ALPK3):c.763A>C (p.Thr255Pro)

Gene: ALPK3 (alpha kinase 3; plus strand). Cytogenetic location: 15q25.3.
Variant type: single nucleotide variant.
Coding change: c.763A>C on transcript NM_020778.5 (MANE Select); coding-DNA position 763, A replaced by C.
Protein change: p.Thr255Pro; replaces threonine 255 with proline.
Molecular consequence: missense variant.
Genome position (GRCh38, 1-based): chr15:84,840,042, A>C. VCF-style: chr15-84840042-A-C. GRCh37 (hg19) VCF-style: chr15-85383273-A-C.
Other names: short protein forms T255P.
Identifiers: ClinVar variation 1770985 (VCV001770985.2), dbSNP rs2505705413, ClinGen allele CA393373455.